The following is an entry in ClinVar:

NM_152564.5(VPS13B):c.10132A>T (p.Thr3378Ser)

Gene: VPS13B (vacuolar protein sorting 13 homolog B; plus strand). Cytogenetic location: 8q22.2.
Variant type: single nucleotide variant.
Coding change: c.10132A>T on transcript NM_152564.5 (MANE Select); coding-DNA position 10132, A replaced by T.
Protein change: p.Thr3378Ser; replaces threonine 3378 with serine.
Molecular consequence: missense variant.
Genome position (GRCh38, 1-based): chr8:99,853,521, A>T. VCF-style: chr8-99853521-A-T. GRCh37 (hg19) VCF-style: chr8-100865749-A-T.
Other names: c.10207A>T, p.Thr3403Ser (NM_017890.5); short protein forms T3403S, T3378S.
Identifiers: ClinVar variation 1505081 (VCV001505081.5), dbSNP rs770379709, ClinGen allele CA4824898.

ClinVar aggregate classification (germline): Uncertain significance (1 of 4 stars; one submission).

Conditions:
Cohen syndrome (COH1). Also called: Cutis verticis gyrata, retinitis pigmentosa, and sensorineural deafness; PEPPER SYNDROME. Identifiers: Orphanet 193, MedGen C0265223, MONDO:0008999, OMIM 216550.

Allele frequency attached by ClinVar (database versions not stated): gnomAD exomes below 0.00001; TOPMed below 0.00001; ExAC 0.00001; gnomAD 0.00001.
gnomAD v4.1: 6 of 1,614,038 alleles (0.00037%); highest among the groups gnomAD compares: Non-Finnish European, 0.00051%; no homozygotes.

Submission:

Labcorp Genetics (formerly Invitae), Labcorp
Classification: Uncertain significance for Cohen syndrome. Last evaluated: 2021-09-17. Review status: criteria provided, single submitter. Criteria: Invitae Variant Classification Sherloc (09022015). Collection method: clinical testing. Allele origin: germline.
Comment: This sequence change replaces threonine with serine at codon 3403 of the VPS13B protein (p.Thr3403Ser). There is a small physicochemical difference between threonine and serine. This variant is present in population databases (rs770379709, ExAC 0.001%). This variant has not been reported in the literature in individuals affected with VPS13B-related conditions. Algorithms developed to predict the effect of missense changes on protein structure and function output the following: SIFT: "Not Available"; PolyPhen-2: "Benign"; Align-GVGD: "Not Available". The serine amino acid residue is found in multiple mammalian species, which suggests that this missense change does not adversely affect protein function. In summary, the available evidence is currently insufficient to determine the role of this variant in disease. Therefore, it has been classified as a Variant of Uncertain Significance.